The following is an entry in ClinVar:

NM_001377540.1(SLMAP):c.1135+6T>G

Gene: SLMAP (sarcolemma associated protein; plus strand). Cytogenetic location: 3p14.3.
Variant type: single nucleotide variant.
Coding change: c.1135+6T>G on transcript NM_001377540.1 (MANE Select); 6 bases into the intron after coding-DNA position 1135, T replaced by G.
Molecular consequence: intron variant.
Genome position (GRCh38, 1-based): chr3:57,864,722, T>G. VCF-style: chr3-57864722-T-G. GRCh37 (hg19) VCF-style: chr3-57850449-T-G.
Other names: c.1135+6T>G (NM_001377538.1, NM_001377539.1, NM_001377555.1 and 17 more transcripts).
Identifiers: ClinVar variation 2030577 (VCV002030577.4), dbSNP rs2473556104, ClinGen allele CA2580070353.

ClinVar aggregate classification (germline): Uncertain significance (1 of 4 stars; one submission).

Conditions:
Brugada syndrome. Also called: Sudden Unexplained Death Syndrome; Sudden Unexplained Nocturnal Death Syndrome (SUNDS); Sudden unexpected nocturnal death syndrome; Sudden unexplained nocturnal death syndrome. Identifiers: Orphanet 130, MedGen C1142166, MONDO:0015263.

Allele frequency attached by ClinVar (database versions not stated): gnomAD exomes below 0.00001.
gnomAD v4.1: 1 of 1,583,510 alleles (0.000063%); highest among the groups gnomAD compares: South Asian, 0.0012%; no homozygotes.

Submission:

Labcorp Genetics (formerly Invitae), Labcorp
Classification: Uncertain significance for Brugada syndrome. Last evaluated: 2022-09-15. Review status: criteria provided, single submitter. Criteria: Invitae Variant Classification Sherloc (09022015). Collection method: clinical testing. Allele origin: germline.
Comment: This sequence change falls in intron 10 of the SLMAP gene. It does not directly change the encoded amino acid sequence of the SLMAP protein. It affects a nucleotide within the consensus splice site. This variant is not present in population databases (gnomAD no frequency). This variant has not been reported in the literature in individuals affected with SLMAP-related conditions. Variants that disrupt the consensus splice site are a relatively common cause of aberrant splicing (PMID: 17576681, 9536098). Algorithms developed to predict the effect of sequence changes on RNA splicing suggest that this variant is not likely to affect RNA splicing. In summary, the available evidence is currently insufficient to determine the role of this variant in disease. Therefore, it has been classified as a Variant of Uncertain Significance.

Literature cited by the submitters: PubMed 17576681; PubMed 9536098.